The following is an entry in ClinVar:

NM_001376.5(DYNC1H1):c.2252G>A (p.Arg751Gln)

Gene: DYNC1H1 (dynein cytoplasmic 1 heavy chain 1; plus strand). Cytogenetic location: 14q32.31.
Variant type: single nucleotide variant.
Coding change: c.2252G>A on transcript NM_001376.5 (MANE Select); coding-DNA position 2252, G replaced by A.
Protein change: p.Arg751Gln; replaces arginine 751 with glutamine.
Molecular consequence: missense variant.
Genome position (GRCh38, 1-based): chr14:101,986,477, G>A. VCF-style: chr14-101986477-G-A. GRCh37 (hg19) VCF-style: chr14-102452814-G-A.
Other names: short protein forms R751Q.
Identifiers: ClinVar variation 1342055 (VCV001342055.6), dbSNP rs2141275001, ClinGen allele CA391022267.
Genomic context (GRCh38, chr14:101,986,477, plus strand): 5'-ATGTGCTTAAGCTGAAAGTTAACTTTCTTCCTGAGATTATCACACTATCCAAAGAAGTCC[G>A]GAACCTCAAATGGCTTGGTTTCCGCGTCCCACTGGCGATTGTGAACAAAGCCCATCAAGC-3'
Protein context (NP_001367.2, residues 741-761): PEIITLSKEV[Arg751Gln]NLKWLGFRVP

ClinVar aggregate classification (germline): Conflicting classifications of pathogenicity. Review status: criteria provided, conflicting classifications (1 of 4 stars). 2 submissions from 2 submitters: Likely pathogenic (1); Uncertain significance (1). Last evaluated 2024-11-04.

Submissions (2):

GeneDx
Classification: Likely pathogenic. Last evaluated: 2024-11-04. Review status: criteria provided, single submitter. Criteria: GeneDx Variant Classification Process June 2021. Collection method: clinical testing. Allele origin: germline. Affected: yes.
Comment: Not observed at significant frequency in large population cohorts (gnomAD); In silico analysis supports that this missense variant has a deleterious effect on protein structure/function; This variant is associated with the following publications: (PMID: 25609763, 25512093, 26100331, 33057194, 35982159)

Revvity Omics, Revvity
Classification: Uncertain significance. Last evaluated: 2022-11-15. Review status: criteria provided, single submitter. Criteria: ACMG Guidelines, 2015. Collection method: clinical testing. Allele origin: germline.